The following is an entry in ClinVar:

NM_000352.6(ABCC8):c.3921del (p.Gln1307fs)

Gene: ABCC8 (ATP binding cassette subfamily C member 8; minus strand). Cytogenetic location: 11p15.1.
Variant type: Deletion.
Coding change: c.3921del on transcript NM_000352.6 (MANE Select); coding-DNA position 3921, one base deleted (G; older notation c.3921delG).
Protein change: p.Gln1307fs; shifts the reading frame from glutamine 1307.
Molecular consequence: frameshift variant. On other transcripts: non-coding transcript variant (1).
Genome position (GRCh38, 1-based): chr11:17,397,260, C deleted on the plus strand (G on the coding strand, the reverse complement: ABCC8 is on the minus strand). VCF-style (leftmost placement, unchanged base first): chr11-17397259-GC-G. GRCh37 (hg19) VCF-style: chr11-17418806-GC-G.
Other names: c.3924del, p.Gln1308fs (NM_001287174.3); c.3987del, p.Gln1329fs (NM_001351295.2); c.3921del, p.Gln1307fs (NM_001351296.2); c.3918del, p.Gln1306fs (NM_001351297.2); short protein forms Q1306fs, Q1307fs, Q1308fs, Q1329fs.
Identifiers: ClinVar variation 1724516 (VCV001724516.2), dbSNP rs2496465221, ClinGen allele CA2580082741.

ClinVar aggregate classification (germline): Likely pathogenic (1 of 4 stars; one submission).

Conditions:
Hyperinsulinemic hypoglycemia, familial, 1 (HHF1). Also called: HYPERINSULINISM, FAMILIAL, WITH PANCREATIC NESIDIOBLASTOSIS; HYPOGLYCEMIA, HYPERINSULINEMIC, OF INFANCY; NESIDIOBLASTOSIS OF PANCREAS; Persistent hyperinsulinemic hypoglycemia of infancy; Persistent Hyperinsulinemia Hypoglycemia of Infancy. Identifiers: Orphanet 276575, Orphanet 276598, MedGen C2931832, MONDO:0009734, OMIM 256450.

Submission:

Myriad Genetics, Inc.
Classification: Likely pathogenic for Hyperinsulinemic hypoglycemia, familial, 1. Last evaluated: 2021-11-14. Review status: criteria provided, single submitter. Criteria: Myriad Women's Health Autosomal Recessive and X-Linked Classification Criteria (2021). Collection method: clinical testing. Allele origin: unknown.
Comment: NM_000352.3(ABCC8):c.3921delG(Q1307Hfs*5) is expected to be pathogenic in the context of familial hyperinsulinism, ABCC8-related. This variant is predicted to lead to an abnormal or absent protein product due to the creation of a premature termination codon in ABCC8, a gene where loss-of-function variants are known to be pathogenic. Please note: this variant was assessed in the context of healthy population screening.